The following is an entry in ClinVar:

ClinVar aggregate classification (germline): Uncertain significance. Review status: criteria provided, multiple submitters, no conflicts (2 of 4 stars). 3 submissions from 3 submitters: Uncertain significance (3). Last evaluated 2026-08-23.

Conditions:
Inborn genetic diseases. Identifiers: MedGen C0950123, MeSH D030342.
KBG syndrome (KBGS). Also called: ANKRD11-Related KBG Syndrome. Identifiers: Orphanet 2332, MedGen C0220687, MONDO:0007846, OMIM 148050.

Allele frequency attached by ClinVar (database versions not stated): gnomAD exomes below 0.00001; ESP Exome Variant Server 0.00008; TOPMed 0.00004; gnomAD 0.00005.
gnomAD v4.1: 14 of 1,613,798 alleles (0.00087%); highest among the groups gnomAD compares: African/African-American, 0.011%; no homozygotes.

Submissions (3):

Ambry Genetics
Classification: Uncertain significance for Inborn genetic diseases. Last evaluated: 2026-08-23. Review status: criteria provided, single submitter. Criteria: Ambry Variant Classification Scheme 2023. Collection method: clinical testing. Allele origin: germline.
Comment: The c.4259T>C (p.I1420T) alteration is located in exon 9 (coding exon 7) of the ANKRD11 gene. This alteration results from a T to C substitution at nucleotide position 4259, causing the isoleucine (I) at amino acid position 1420 to be replaced by a threonine (T). Based on data from gnomAD, the C allele has an overall frequency of <0.001% (1/251454) total alleles studied. The highest observed frequency was 0.006% (1/16252) of African alleles. Based on insufficient or conflicting evidence, the clinical significance of this alteration remains unclear.

Labcorp Genetics (formerly Invitae), Labcorp
Classification: Uncertain significance for KBG syndrome. Last evaluated: 2025-03-30. Review status: criteria provided, single submitter. Criteria: Invitae Variant Classification Sherloc (09022015). Collection method: clinical testing. Allele origin: germline.
Comment: This sequence change replaces isoleucine, which is neutral and non-polar, with threonine, which is neutral and polar, at codon 1420 of the ANKRD11 protein (p.Ile1420Thr). This variant is present in population databases (rs142828350, gnomAD 0.007%). This variant has not been reported in the literature in individuals affected with ANKRD11-related conditions. ClinVar contains an entry for this variant (Variation ID: 1679760). Invitae Evidence Modeling of protein sequence and biophysical properties (such as structural, functional, and spatial information, amino acid conservation, physicochemical variation, residue mobility, and thermodynamic stability) indicates that this missense variant is not expected to disrupt ANKRD11 protein function with a negative predictive value of 95%. In summary, the available evidence is currently insufficient to determine the role of this variant in disease. Therefore, it has been classified as a Variant of Uncertain Significance.

New York Genome Center
Classification: Uncertain significance for KBG syndrome. Last evaluated: 2021-07-08. Review status: criteria provided, single submitter. Criteria: NYGC Assertion Criteria 2020. Collection method: clinical testing. Allele origin: inherited. Observed: 1 heterozygote. Study: CSER-NYCKidSeq.

NM_013275.6(ANKRD11):c.4259T>C (p.Ile1420Thr)

Gene: ANKRD11 (ankyrin repeat domain 11; minus strand). Cytogenetic location: 16q24.3.
Variant type: single nucleotide variant.
Coding change: c.4259T>C on transcript NM_013275.6 (MANE Select); coding-DNA position 4259, T replaced by C.
Protein change: p.Ile1420Thr; replaces isoleucine 1420 with threonine.
Molecular consequence: missense variant.
Genome position (GRCh38, 1-based): chr16:89,282,283, A>G on the plus strand (T>C on the coding strand, the complement: ANKRD11 is on the minus strand). VCF-style: chr16-89282283-A-G. GRCh37 (hg19) VCF-style: chr16-89348691-A-G.
Other names: c.4259T>C (NM_013275.4); c.4259T>C, p.Ile1420Thr (NM_001256182.2, NM_001256183.2); short protein forms I1420T.
Identifiers: ClinVar variation 1679760 (VCV001679760.3), dbSNP rs142828350, ClinGen allele CA286516146.